The following is an entry in ClinVar:

NM_016219.5(MAN1B1):c.1566+14C>T

Gene: MAN1B1 (mannosidase alpha class 1B member 1; plus strand). Cytogenetic location: 9q34.3.
Variant type: single nucleotide variant.
Coding change: c.1566+14C>T on transcript NM_016219.5 (MANE Select); 14 bases into the intron after coding-DNA position 1566, C replaced by T.
Molecular consequence: intron variant.
Genome position (GRCh38, 1-based): chr9:137,106,823, C>T. VCF-style: chr9-137106823-C-T. GRCh37 (hg19) VCF-style: chr9-140001275-C-T.
Identifiers: ClinVar variation 365964 (VCV000365964.12), dbSNP rs201606936, ClinGen allele CA5359277.
Genomic context (GRCh38, chr9:137,106,823, plus strand): 5'-TCACCTTTGTGGGGGAGCTTGCCCACGGCCGCTTCAGTGCCAAGATGGTGAGTGTGTCTG[C>T]GGGGCCTTCCGGCCGCCGCCCCTTTTACCTTGGCTTCCAAGGTGCCTGAGTCATGATGTC-3'

ClinVar aggregate classification (germline): Benign/Likely benign. Review status: criteria provided, multiple submitters, no conflicts (2 of 4 stars). 2 submissions from 2 submitters: Benign (1); Likely benign (1). Last evaluated 2025-12-29.

Conditions:
Rafiq syndrome (RAFQS). Identifiers: Orphanet 88616, MedGen C3280127, MONDO:0013624, OMIM 614202.

Allele frequency attached by ClinVar (database versions not stated): ESP Exome Variant Server 0.00046; TOPMed 0.00085; 1000 Genomes Project 30x 0.00219; 1000 Genomes Project 0.00280; gnomAD 0.00440.

Submissions (2):

Labcorp Genetics (formerly Invitae), Labcorp
Classification: Benign for Rafiq syndrome. Last evaluated: 2025-12-29. Review status: criteria provided, single submitter. Criteria: Invitae Variant Classification Sherloc (09022015). Collection method: clinical testing. Allele origin: germline.

Illumina Laboratory Services, Illumina
Classification: Likely benign for Rafiq syndrome. Last evaluated: 2018-01-12. Review status: criteria provided, single submitter. Criteria: ICSL Variant Classification Criteria 13 December 2019. Collection method: clinical testing. Allele origin: germline.
Comment: This variant was observed in the ICSL laboratory as part of a predisposition screen in an ostensibly healthy population. It had not been previously curated by ICSL or reported in the Human Gene Mutation Database (HGMD: prior to June 1st, 2018), and was therefore a candidate for classification through an automated scoring system. Utilizing variant allele frequency, disease prevalence and penetrance estimates, and inheritance mode, an automated score was calculated to assess if this variant is too frequent to cause the disease. Based on the score and internal cut-off values, a variant classified as likely benign is not then subjected to further curation. The score for this variant resulted in a classification of likely benign for this disease.